The following is an entry in ClinVar:

NM_000038.6(APC):c.3579_3582del (p.Gln1193fs)

Gene: APC (APC regulator of Wnt signaling pathway; plus strand). Cytogenetic location: 5q22.2.
Variant type: Deletion.
Coding change: c.3579_3582del on transcript NM_000038.6 (MANE Select); coding-DNA positions 3579 to 3582, 4 bases deleted (GTCA; older notation c.3579_3582delGTCA).
Protein change: p.Gln1193fs; shifts the reading frame from glutamine 1193.
Molecular consequence: frameshift variant.
Genome position (GRCh38, 1-based): chr5:112,839,173-112,839,176, GTCA deleted; deleting any 4 consecutive bases within chr5:112,839,171-112,839,176 gives the same sequence; the c. name uses the placement nearest the transcript's 3' end. VCF-style (leftmost placement, unchanged base first): chr5-112839170-ACAGT-A. GRCh37 (hg19) VCF-style: chr5-112174867-ACAGT-A.
Other names: c.3579_3582del, p.Gln1193fs (NM_001127510.3, NM_001354895.2); c.3525_3528del, p.Gln1175fs (NM_001127511.3); c.3633_3636del, p.Gln1211fs (NM_001354896.2); c.3609_3612del, p.Gln1203fs (NM_001354897.2); c.3504_3507del, p.Gln1168fs (NM_001354898.2); c.3495_3498del, p.Gln1165fs (NM_001354899.2); c.3456_3459del, p.Gln1152fs (NM_001354900.2); c.3402_3405del, p.Gln1134fs (NM_001354901.2); and 5 more; short protein forms Q1033fs, Q1067fs, Q1168fs, Q1193fs, Q1211fs, Q1102fs, Q1165fs, Q910fs.
Identifiers: ClinVar variation 1393463 (VCV001393463.6), dbSNP rs2149894773, ClinGen allele CA658760945.

ClinVar aggregate classification (germline): Pathogenic (1 of 4 stars; one submission).

Conditions:
Familial adenomatous polyposis 1 (FAP1). Also called: FAMILIAL ADENOMATOUS POLYPOSIS 1, ATTENUATED; POLYPOSIS, ADENOMATOUS INTESTINAL. Identifiers: MedGen C2713442, MONDO:0021056, OMIM 175100. Disease mechanism: loss of function.

Submission:

Labcorp Genetics (formerly Invitae), Labcorp
Classification: Pathogenic for Familial adenomatous polyposis 1. Last evaluated: 2021-07-20. Review status: criteria provided, single submitter. Criteria: Invitae Variant Classification Sherloc (09022015). Collection method: clinical testing. Allele origin: germline.
Comment: This variant is expected to disrupt the EB1 and HDLG binding sites, which mediate interactions with the cytoskeleton (PMID: 15311282, 17293347). While functional studies have not been performed to directly test the effect on APC protein function, this suggests that disruption of the C-terminal portion of the protein is functionally important. For these reasons, this variant has been classified as Pathogenic. A different truncation (p.Tyr2645Lysfs*14) that lies downstream of this variant has been determined to be pathogenic (PMID: 9824584, 1316610, 27081525, 8381579, 22135120, Invitae). This suggests that deletion of this region of the APC protein is causative of disease. This sequence change creates a premature translational stop signal (p.Gln1193Hisfs*71) in the APC gene. While this is not anticipated to result in nonsense mediated decay, it is expected to disrupt the last 1651 amino acid(s) of the APC protein. This variant is not present in population databases (ExAC no frequency). This premature translational stop signal has been observed in individual(s) with familial adenomatous polyposis (PMID: 14729851). This variant is also known as c.3578_3581del.

Literature cited by the submitters: PubMed 15311282; PubMed 17293347; PubMed 9824584; PubMed 1316610; PubMed 27081525; PubMed 8381579; PubMed 22135120; PubMed 14729851.